The following is an entry in ClinVar:

NM_001378454.1(ALMS1):c.10214-12dup

Gene: ALMS1 (ALMS1 centrosome and basal body associated protein; plus strand). Cytogenetic location: 2p13.1.
Variant type: Duplication.
Coding change: c.10214-12dup on transcript NM_001378454.1 (MANE Select); 12 bases into the intron before coding-DNA position 10214, one base duplicated (T; older notation c.10214-12dupT).
Molecular consequence: intron variant.
Genome position (GRCh38, 1-based): chr2:73,558,960, T duplicated; the last of 3 consecutive T bases (chr2:73,558,958-73,558,960); duplicating any one gives the same sequence. VCF-style (leftmost placement, unchanged base first): chr2-73558957-A-AT. GRCh37 (hg19) VCF-style: chr2-73786084-A-AT.
Other names: c.10214-12dup (NM_015120.4); c.10217-12dupT (NM_015120.4).
Identifiers: ClinVar variation 1195514 (VCV001195514.15), dbSNP rs543855806, ClinGen allele CA1714934.

ClinVar aggregate classification (germline): Likely benign. Review status: criteria provided, multiple submitters, no conflicts (2 of 4 stars). 6 submissions from 6 submitters: Likely benign (4). 2 of the submissions do not count toward it. Last evaluated 2026-01-29.

Conditions:
Alstrom syndrome (ALMS). Identifiers: Orphanet 64, MedGen C0268425, MONDO:0008763, OMIM 203800.

Submissions (6):

Labcorp Genetics (formerly Invitae), Labcorp
Classification: Likely benign for Alstrom syndrome. Last evaluated: 2026-01-29. Review status: criteria provided, single submitter. Criteria: Invitae Variant Classification Sherloc (09022015). Collection method: clinical testing. Allele origin: germline.

Women's Health and Genetics/Laboratory Corporation of America, LabCorp
Classification: Likely benign. Last evaluated: 2025-05-22. Review status: criteria provided, single submitter. Criteria: LabCorp Variant Classification Summary - May 2015. Collection method: clinical testing. Allele origin: germline.
Comment: Variant summary: ALMS1 c.10211-12dupT alters a non-conserved nucleotide located at a position not widely known to affect splicing. Consensus agreement among computation tools predict no significant impact on normal splicing. However, these predictions have yet to be confirmed by functional studies. The variant allele was found at a frequency of 0.00057 in 248888 control chromosomes, predominantly at a frequency of 0.0012 within the Non-Finnish European subpopulation in the gnomAD database. This frequency is not significantly higher than estimated for a pathogenic variant in ALMS1 causing Alstrom Syndrome With Dilated Cardiomyopathy (0.00057 vs 0.0018), allowing no conclusion about variant significance. To our knowledge, no occurrence of c.10211-12dupT in individuals affected with Alstrom Syndrome With Dilated Cardiomyopathy and no experimental evidence demonstrating its impact on protein function have been reported. ClinVar contains an entry for this variant (Variation ID: 1195514). Based on the evidence outlined above, the variant was classified as likely benign.

Blueprint Genetics
Classification: Likely benign. Last evaluated: 2024-11-04. Review status: criteria provided, single submitter. Criteria: ACMG Guidelines, 2015. Collection method: clinical testing. Allele origin: germline.

GeneDx
Classification: Likely benign. Last evaluated: 2020-02-05. Review status: criteria provided, single submitter. Criteria: GeneDx Variant Classification Process June 2021. Collection method: clinical testing. Allele origin: germline. Affected: yes.

Clinical Genetics, Academic Medical Center
Classification: Benign. Review status: no assertion criteria provided. Collection method: clinical testing. Allele origin: germline. Affected: yes. Study: VKGL Data-share Consensus. Not counted in ClinVar's aggregate classification.

Genome Diagnostics Laboratory, University Medical Center Utrecht
Classification: Likely benign. Review status: no assertion criteria provided. Collection method: clinical testing. Allele origin: germline. Affected: yes. Study: VKGL Data-share Consensus. Not counted in ClinVar's aggregate classification.